The following is an entry in ClinVar:

NM_021625.5(TRPV4):c.2555G>A (p.Arg852His)

Gene: TRPV4 (transient receptor potential cation channel subfamily V member 4; minus strand). Cytogenetic location: 12q24.11.
Variant type: single nucleotide variant.
Coding change: c.2555G>A on transcript NM_021625.5 (MANE Select); coding-DNA position 2555, G replaced by A.
Protein change: p.Arg852His; replaces arginine 852 with histidine.
Molecular consequence: missense variant.
Genome position (GRCh38, 1-based): chr12:109,783,682, C>T on the plus strand (G>A on the coding strand, the complement: TRPV4 is on the minus strand). VCF-style: chr12-109783682-C-T. GRCh37 (hg19) VCF-style: chr12-110221487-C-T.
Other names: c.2414G>A, p.Arg805His (NM_001177428.2); c.2453G>A, p.Arg818His (NM_001177431.2); c.2234G>A, p.Arg745His (NM_001177433.2); c.2375G>A, p.Arg792His (NM_147204.3); short protein forms R805H, R745H, R792H, R818H, R852H.
Identifiers: ClinVar variation 860277 (VCV000860277.9), dbSNP rs1276147923, ClinGen allele CA386648414.
Genomic context (GRCh38, chr12:109,783,682, plus strand): 5'-TAGAGCGGGGCGTCATCAGTCCTCCACTTGCGGGGGTAACCCTGCTGGTGGCCATCGCAG[C>T]GGGGGTTCCCCATGCTGTCCAGAGGCACCACCACCTCGTCCGGGTTCGAGTTCTTGTTCA-3'
Protein context (NP_067638.3, residues 842-862): VVPLDSMGNP[Arg852His]CDGHQQGYPR

ClinVar aggregate classification (germline): Uncertain significance (1 of 4 stars; one submission).

Conditions:
Charcot-Marie-Tooth disease axonal type 2C (HMSN2C). Also called: Charcot-Marie-Tooth Disease Type 2, TRPV4-Related (CMT2C); CHARCOT-MARIE-TOOTH DISEASE, AXONAL, AUTOSOMAL DOMINANT, TYPE 2C; Charcot-Marie-Tooth Neuropathy Type 2C. Identifiers: Orphanet 99937, MedGen C1853710, MONDO:0011633, OMIM 606071.

Allele frequency attached by ClinVar (database versions not stated): gnomAD exomes below 0.00001 and 0.00001; gnomAD 0.00001.
gnomAD v4.1: 8 of 1,613,658 alleles (0.0005%); highest among the groups gnomAD compares: South Asian, 0.0044%; no homozygotes.

Submission:

Labcorp Genetics (formerly Invitae), Labcorp
Classification: Uncertain significance for Charcot-Marie-Tooth disease axonal type 2C. Last evaluated: 2024-07-19. Review status: criteria provided, single submitter. Criteria: Invitae Variant Classification Sherloc (09022015). Collection method: clinical testing. Allele origin: germline.
Comment: This sequence change replaces arginine, which is basic and polar, with histidine, which is basic and polar, at codon 852 of the TRPV4 protein (p.Arg852His). The frequency data for this variant in the population databases is considered unreliable, as metrics indicate poor data quality at this position in the gnomAD database. This variant has not been reported in the literature in individuals affected with TRPV4-related conditions. ClinVar contains an entry for this variant (Variation ID: 860277). Advanced modeling of protein sequence and biophysical properties (such as structural, functional, and spatial information, amino acid conservation, physicochemical variation, residue mobility, and thermodynamic stability) performed at Invitae indicates that this missense variant is not expected to disrupt TRPV4 protein function with a negative predictive value of 95%. In summary, the available evidence is currently insufficient to determine the role of this variant in disease. Therefore, it has been classified as a Variant of Uncertain Significance.